The following is an entry in ClinVar:

ClinVar aggregate classification (germline): Conflicting classifications of pathogenicity. Review status: criteria provided, conflicting classifications (1 of 4 stars). 2 submissions from 2 submitters: Uncertain significance (1); Likely benign (1). Last evaluated 2024-11-11.

Conditions:
Inborn genetic diseases. Identifiers: MedGen C0950123, MeSH D030342.

Allele frequency attached by ClinVar (database versions not stated): gnomAD exomes 0.00002 and 0.00008; ExAC 0.00024; gnomAD 0.00025 and 0.00026; ESP Exome Variant Server 0.00031; TOPMed 0.00032.
gnomAD v4.1: 64 of 1,567,110 alleles (0.0041%); highest among the groups gnomAD compares: African/African-American, 0.078%; no homozygotes.

Submissions (2):

Labcorp Genetics (formerly Invitae), Labcorp
Classification: Uncertain significance. Last evaluated: 2024-11-11. Review status: criteria provided, single submitter. Criteria: Invitae Variant Classification Sherloc (09022015). Collection method: clinical testing. Allele origin: germline.
Comment: This sequence change replaces tyrosine, which is neutral and polar, with cysteine, which is neutral and slightly polar, at codon 439 of the TUBGCP6 protein (p.Tyr439Cys). This variant is present in population databases (rs376242323, gnomAD 0.1%). This variant has not been reported in the literature in individuals affected with TUBGCP6-related conditions. ClinVar contains an entry for this variant (Variation ID: 938383). An algorithm developed to predict the effect of missense changes on protein structure and function (PolyPhen-2) suggests that this variant is likely to be disruptive. In summary, the available evidence is currently insufficient to determine the role of this variant in disease. Therefore, it has been classified as a Variant of Uncertain Significance.

Ambry Genetics
Classification: Likely benign for Inborn genetic diseases. Last evaluated: 2021-12-03. Review status: criteria provided, single submitter. Criteria: Ambry Variant Classification Scheme 2023. Collection method: clinical testing. Allele origin: germline.

NM_020461.4(TUBGCP6):c.1316A>G (p.Tyr439Cys)

Gene: TUBGCP6 (tubulin gamma complex component 6; minus strand). Cytogenetic location: 22q13.33.
Variant type: single nucleotide variant.
Coding change: c.1316A>G on transcript NM_020461.4 (MANE Select); coding-DNA position 1316, A replaced by G.
Protein change: p.Tyr439Cys; replaces tyrosine 439 with cysteine.
Molecular consequence: missense variant.
Genome position (GRCh38, 1-based): chr22:50,228,003, T>C on the plus strand (A>G on the coding strand, the complement: TUBGCP6 is on the minus strand). VCF-style: chr22-50228003-T-C. GRCh37 (hg19) VCF-style: chr22-50666432-T-C.
Other names: short protein forms Y439C.
Identifiers: ClinVar variation 938383 (VCV000938383.7), dbSNP rs376242323, ClinGen allele CA10308738.